The following is an entry in ClinVar:

ClinVar aggregate classification (germline): Pathogenic (1 of 4 stars; one submission).

Submission:

Labcorp Genetics (formerly Invitae), Labcorp
Classification: Pathogenic. Last evaluated: 2024-11-27. Review status: criteria provided, single submitter. Criteria: Invitae Variant Classification Sherloc (09022015). Collection method: clinical testing. Allele origin: germline.
Comment: This sequence change creates a premature translational stop signal (p.Tyr1113Thrfs*31) in the MYO5B gene. It is expected to result in an absent or disrupted protein product. Loss-of-function variants in MYO5B are known to be pathogenic (PMID: 18724368, 20186687). This variant is not present in population databases (gnomAD no frequency). This variant has not been reported in the literature in individuals affected with MYO5B-related conditions. For these reasons, this variant has been classified as Pathogenic.

Literature cited by the submitters: PubMed 18724368; PubMed 20186687.

NM_001080467.3(MYO5B):c.3337del (p.Tyr1113fs)

Gene: MYO5B (myosin VB; minus strand). Cytogenetic location: 18q21.1.
Variant type: Deletion.
Coding change: c.3337del on transcript NM_001080467.3 (MANE Select); coding-DNA position 3337, one base deleted (T; older notation c.3337delT).
Protein change: p.Tyr1113fs; shifts the reading frame from tyrosine 1113.
Molecular consequence: frameshift variant.
Genome position (GRCh38, 1-based): chr18:49,877,822, A deleted on the plus strand (T on the coding strand, the reverse complement: MYO5B is on the minus strand); the first of 2 consecutive A bases (chr18:49,877,822-49,877,823); deleting either gives the same sequence. VCF-style (leftmost placement, unchanged base first): chr18-49877821-TA-T. GRCh37 (hg19) VCF-style: chr18-47404191-TA-T.
Other names: short protein forms Y1113fs.
Identifiers: ClinVar variation 3722977 (VCV003722977.2).